The following is an entry in ClinVar:

NM_032279.4(ATP13A4):c.1030C>T (p.Arg344Trp)

Gene: ATP13A4 (ATPase 13A4; minus strand). Cytogenetic location: 3q29.
Variant type: single nucleotide variant.
Coding change: c.1030C>T on transcript NM_032279.4 (MANE Select); coding-DNA position 1030, C replaced by T.
Protein change: p.Arg344Trp; replaces arginine 344 with tryptophan.
Molecular consequence: missense variant.
Genome position (GRCh38, 1-based): chr3:193,467,400, G>A on the plus strand (C>T on the coding strand, the complement: ATP13A4 is on the minus strand). VCF-style: chr3-193467400-G-A. GRCh37 (hg19) VCF-style: chr3-193185189-G-A.
Other names: short protein forms R344W.
Identifiers: ClinVar variation 3052302 (VCV003052302.2), dbSNP rs369934900, ClinGen allele CA2758537.

ClinVar aggregate classification (germline): Likely benign (0 of 4 stars; one submission).

Conditions:
ATP13A4-related disorder. Also called: ATP13A4-related condition.

Allele frequency attached by ClinVar (database versions not stated): ExAC 0.00014; gnomAD exomes 0.00014; ESP Exome Variant Server 0.00015; TOPMed 0.00059; gnomAD 0.00066.
gnomAD v4.1: 312 of 1,614,012 alleles (0.019%); highest among the groups gnomAD compares: African/African-American, 0.2%; 1 homozygote.

Submission:

PreventionGenetics, part of Exact Sciences
Classification: Likely benign for ATP13A4-related condition. Last evaluated: 2022-04-28. Review status: no assertion criteria provided. Collection method: clinical testing. Allele origin: germline.
Comment: This variant is classified as likely benign based on ACMG/AMP sequence variant interpretation guidelines (Richards et al. 2015 PMID: 25741868, with internal and published modifications).